The following is an entry in ClinVar:

ClinVar aggregate classification (germline): Pathogenic. Review status: criteria provided, multiple submitters, no conflicts (2 of 4 stars). 2 submissions from 2 submitters: Pathogenic (2). Last evaluated 2024-11-14.

Conditions:
Familial cancer of breast. Also called: hereditary breast carcinoma; Hereditary breast cancer; BREAST CANCER, FAMILIAL. Identifiers: Orphanet 227535, MedGen C0346153, MONDO:0016419, OMIM 114480. Disease mechanism: loss of function.

Submissions (2):

Labcorp Genetics (formerly Invitae), Labcorp
Classification: Pathogenic for Familial cancer of breast. Last evaluated: 2024-11-14. Review status: criteria provided, single submitter. Criteria: Invitae Variant Classification Sherloc (09022015). Collection method: clinical testing. Allele origin: germline.
Comment: This sequence change creates a premature translational stop signal (p.Gly471Aspfs*17) in the PALB2 gene. It is expected to result in an absent or disrupted protein product. Loss-of-function variants in PALB2 are known to be pathogenic (PMID: 17200668, 17200671, 17200672, 24136930, 25099575). This variant is not present in population databases (gnomAD no frequency). This variant has not been reported in the literature in individuals affected with PALB2-related conditions. ClinVar contains an entry for this variant (Variation ID: 2573311). For these reasons, this variant has been classified as Pathogenic.

Myriad Genetics, Inc.
Classification: Pathogenic for Familial cancer of breast. Last evaluated: 2023-02-09. Review status: criteria provided, single submitter. Criteria: Myriad Autosomal Dominant, Autosomal Recessive and X-Linked Classification Criteria (2023). Collection method: clinical testing. Allele origin: unknown.
Comment: This variant is considered pathogenic. This variant creates a frameshift predicted to result in premature protein truncation.

Literature cited by the submitters: PubMed 17200668 (cited by Labcorp Genetics (formerly Invitae), Labcorp); PubMed 17200671 (cited by Labcorp Genetics (formerly Invitae), Labcorp); PubMed 17200672 (cited by Labcorp Genetics (formerly Invitae), Labcorp); PubMed 24136930 (cited by Labcorp Genetics (formerly Invitae), Labcorp); PubMed 25099575 (cited by Labcorp Genetics (formerly Invitae), Labcorp).

NM_024675.4(PALB2):c.1408_1411dup (p.Gly471fs)

Gene: PALB2 (partner and localizer of BRCA2; minus strand). Cytogenetic location: 16p12.2.
Variant type: Duplication.
Coding change: c.1408_1411dup on transcript NM_024675.4 (MANE Select); coding-DNA positions 1408 to 1411, 4 bases duplicated (ACAG; older notation c.1408_1411dupACAG).
Protein change: p.Gly471fs; shifts the reading frame from glycine 471.
Molecular consequence: frameshift variant. On other transcripts: intron variant (3).
Genome position (GRCh38, 1-based): chr16:23,635,135-23,635,138, CTGT duplicated on the plus strand (ACAG on the coding strand, the reverse complement: PALB2 is on the minus strand). VCF-style (leftmost placement, unchanged base first): chr16-23635134-C-CCTGT. GRCh37 (hg19) VCF-style: chr16-23646455-C-CCTGT.
Other names: c.1348_1351dup, p.Gly451fs (NM_001407296.1); c.1408_1411dup, p.Gly471fs (NM_001407297.1, NM_001407298.1, NM_001407299.1 and 3 more transcripts); c.523_526dup, p.Gly176fs (NM_001407304.1, NM_001407305.1, NM_001407306.1 and 5 more transcripts); c.49-5863_49-5860dup (NM_001407314.1); c.-104-4669_-104-4666dup (NM_001407313.1, NM_001407312.1); short protein forms G176fs, G451fs, G471fs.
Identifiers: ClinVar variation 2573311 (VCV002573311.3), dbSNP rs2506478562, ClinGen allele CA2573106003.